The following is an entry in ClinVar:

ClinVar aggregate classification (germline): Uncertain significance. Review status: criteria provided, multiple submitters, no conflicts (2 of 4 stars). 3 submissions from 3 submitters: Uncertain significance (3). Last evaluated 2023-08-08.

Conditions:
Amelocerebrohypohidrotic syndrome (KTZS). Also called: EPILEPSY AND YELLOW TEETH; EPILEPSY, DEMENTIA, AND AMELOGENESIS IMPERFECTA; KOHLSCHUTTER SYNDROME; Kohlschutter's syndrome. Identifiers: Orphanet 1946, MedGen C0406740, MONDO:0009185, OMIM 226750.
Inborn genetic diseases. Identifiers: MedGen C0950123, MeSH D030342.

Allele frequency attached by ClinVar (database versions not stated): gnomAD 0.00002; TOPMed 0.00002.
gnomAD v4.1: 21 of 1,613,084 alleles (0.0013%); highest among the groups gnomAD compares: Non-Finnish European, 0.0017%; no homozygotes.

Submissions (3):

Ambry Genetics
Classification: Uncertain significance for Inborn genetic diseases. Last evaluated: 2023-08-08. Review status: criteria provided, single submitter. Criteria: Ambry Variant Classification Scheme 2023. Collection method: clinical testing. Allele origin: germline.

Labcorp Genetics (formerly Invitae), Labcorp
Classification: Uncertain significance for Amelocerebrohypohidrotic syndrome. Last evaluated: 2022-06-27. Review status: criteria provided, single submitter. Criteria: Invitae Variant Classification Sherloc (09022015). Collection method: clinical testing. Allele origin: germline.
Comment: This sequence change replaces valine, which is neutral and non-polar, with methionine, which is neutral and non-polar, at codon 277 of the ROGDI protein (p.Val277Met). The frequency data for this variant in the population databases is considered unreliable, as metrics indicate poor data quality at this position in the gnomAD database. This variant has not been reported in the literature in individuals affected with ROGDI-related conditions. ClinVar contains an entry for this variant (Variation ID: 586408). Algorithms developed to predict the effect of missense changes on protein structure and function are either unavailable or do not agree on the potential impact of this missense change (SIFT: "Deleterious"; PolyPhen-2: "Probably Damaging"; Align-GVGD: "Class C0"). In summary, the available evidence is currently insufficient to determine the role of this variant in disease. Therefore, it has been classified as a Variant of Uncertain Significance.

Athena Diagnostics
Classification: Uncertain significance. Last evaluated: 2018-05-15. Review status: criteria provided, single submitter. Criteria: Athena Diagnostics Criteria. Collection method: clinical testing. Allele origin: germline.

NM_024589.3(ROGDI):c.829G>A (p.Val277Met)

Gene: ROGDI (rogdi atypical leucine zipper; minus strand). Cytogenetic location: 16p13.3.
Variant type: single nucleotide variant.
Coding change: c.829G>A on transcript NM_024589.3 (MANE Select); coding-DNA position 829, G replaced by A.
Protein change: p.Val277Met; replaces valine 277 with methionine.
Molecular consequence: missense variant. On other transcripts: non-coding transcript variant (1).
Genome position (GRCh38, 1-based): chr16:4,797,495, C>T on the plus strand (G>A on the coding strand, the complement: ROGDI is on the minus strand). VCF-style: chr16-4797495-C-T. GRCh37 (hg19) VCF-style: chr16-4847496-C-T.
Other names: c.829G>A (NM_024589.1); short protein forms V277M.
Identifiers: ClinVar variation 586408 (VCV000586408.7), dbSNP rs759234056, ClinGen allele CA277135095.
Genomic context (GRCh38, chr16:4,797,495, plus strand): 5'-GGAGACAAGCTCCTGGGTGCTGTGATCAGAAGGGTCTGTAGCTCCAGTAGCTGGAGAACA[C>T]GGAGATCTGCAAGGGGAGAGGGTGCTGTAGGTTGCTGAAGGGGGATGGGGTAGCCCAGGG-3'
Protein context (NP_078865.1, residues 267-287): LCQQLKDKIS[Val277Met]FSSYWSYRPF